The following is an entry in ClinVar:

NM_001144967.3(NEDD4L):c.2613C>T (p.Asn871=)

Gene: NEDD4L (NEDD4 like E3 ubiquitin protein ligase; plus strand). Cytogenetic location: 18q21.31.
Variant type: single nucleotide variant.
Coding change: c.2613C>T on transcript NM_001144967.3 (MANE Select); coding-DNA position 2613, C replaced by T.
Protein change: p.Asn871=; no amino-acid change (asparagine 871 retained).
Molecular consequence: synonymous variant.
Genome position (GRCh38, 1-based): chr18:58,389,150, C>T. VCF-style: chr18-58389150-C-T. GRCh37 (hg19) VCF-style: chr18-56056382-C-T.
Other names: c.2250C>T, p.Asn750= (NM_001144964.1, NM_001144965.2, NM_001144966.3); c.2589C>T, p.Asn863= (NM_001144968.2); c.2529C>T, p.Asn843= (NM_001144969.2); c.2190C>T, p.Asn730= (NM_001144970.3, NM_001144971.2); c.2421C>T, p.Asn807= (NM_001243960.2); c.2553C>T, p.Asn851= (NM_015277.6).
Identifiers: ClinVar variation 417004 (VCV000417004.43), dbSNP rs141136641, ClinGen allele CA8976001.
Genomic context (GRCh38, chr18:58,389,150, plus strand): 5'-CATGTGCGGCCTCGGTGATGTGGATGTGAATGACTGGAGACAGCATTCTATTTACAAGAA[C>T]GGCTACTGCCCAAACCACCCCGTCATTCAGTGGTTCTGGAAGGTAACTCCGGGGCCCAGC-3'
Protein context (NP_001138439.1, residues 861-881): NDWRQHSIYK[Asn871=]GYCPNHPVIQ

ClinVar aggregate classification (germline): Benign/Likely benign. Review status: criteria provided, multiple submitters, no conflicts (2 of 4 stars). 7 submissions from 7 submitters: Benign (2); Likely benign (3). 2 of the submissions do not count toward it. Last evaluated 2026-03-01.

Allele frequency attached by ClinVar (database versions not stated): 1000 Genomes Project 30x 0.00094; 1000 Genomes Project 0.00100; ExAC 0.00115; gnomAD exomes 0.00126; ESP Exome Variant Server 0.00139; TOPMed 0.00158; gnomAD 0.00161 and 0.00163.
gnomAD v4.1: 3,780 of 1,613,956 alleles (0.23%); highest among the groups gnomAD compares: Non-Finnish European, 0.3%; 9 homozygotes.

Submissions (7):

CeGaT Center for Human Genetics Tuebingen
Classification: Likely benign. Last evaluated: 2026-03-01. Review status: criteria provided, single submitter. Criteria: CeGaT Center For Human Genetics Tuebingen Variant Classification Criteria Version 2. Collection method: clinical testing. Allele origin: germline. Affected: yes. Observed: 5 variant alleles.
Comment: NEDD4L: BP4, BP7

Labcorp Genetics (formerly Invitae), Labcorp
Classification: Benign. Last evaluated: 2026-02-03. Review status: criteria provided, single submitter. Criteria: Invitae Variant Classification Sherloc (09022015). Collection method: clinical testing. Allele origin: germline.

Blueprint Genetics
Classification: Likely benign. Last evaluated: 2024-10-31. Review status: criteria provided, single submitter. Criteria: ACMG Guidelines, 2015. Collection method: clinical testing. Allele origin: germline.

GeneDx
Classification: Benign. Last evaluated: 2019-09-24. Review status: criteria provided, single submitter. Criteria: GeneDx Variant Classification Process June 2021. Collection method: clinical testing. Allele origin: germline. Affected: yes.

Genetic Services Laboratory, University of Chicago
Classification: Likely benign. Last evaluated: 2019-07-09. Review status: criteria provided, single submitter. Criteria: ACMG Guidelines, 2015. Collection method: clinical testing. Allele origin: germline. Affected: no.

Clinical Genetics DNA and cytogenetics Diagnostics Lab, Erasmus MC, Erasmus Medical Center
Classification: Likely benign. Review status: no assertion criteria provided. Collection method: clinical testing. Allele origin: germline. Affected: yes. Study: VKGL Data-share Consensus. Not counted in ClinVar's aggregate classification.

Genome Diagnostics Laboratory, University Medical Center Utrecht
Classification: Likely benign. Review status: no assertion criteria provided. Collection method: clinical testing. Allele origin: germline. Affected: yes. Study: VKGL Data-share Consensus. Not counted in ClinVar's aggregate classification.